The following is an entry in ClinVar:

NC_000004.11:g.(?_55141008)_(55164412_?)dup

Genes: PDGFRA (platelet derived growth factor receptor alpha; plus strand), LOC126807054 (BRD4-independent group 4 enhancer GRCh37_chr4:55147260-55148459; plus strand). Cytogenetic location: 4q12.
Variant type: Duplication.
Identifiers: ClinVar variation 417404 (VCV000417404.1).

ClinVar aggregate classification (germline): Uncertain significance (1 of 4 stars; one submission).

Conditions:
Gastrointestinal stromal tumor. Also called: Gastrointestinal stroma tumor; Gastrointestinal stromal tumor, somatic. Identifiers: Orphanet 44890, MedGen C0238198, MeSH D046152, MONDO:0011719, OMIM 606764, HP:0100723.

Submission:

Labcorp Genetics (formerly Invitae), Labcorp
Classification: Uncertain significance for Gastrointestinal stromal tumor. Last evaluated: 2016-11-14. Review status: criteria provided, single submitter. Criteria: Invitae Variant Classification Sherloc (09022015). Collection method: clinical testing. Allele origin: germline.
Comment: This variant is a gross duplication of the genomic region encompassing exons 12-23. The 5' boundary is likely confined to intron 11. The 3' end of this event is unknown as it extends beyond the assayed region for this gene and therefore may encompass additional genes. This variant has not been reported in the literature in individuals with a PDGFRA-related disease. Experimental studies and prediction algorithms are not available for this variant, and the functional significance of this duplication is currently unknown. In summary, the exact genomic location of this variant is unknown and the impact of this duplication on PDGFRA protein function has not been established. Therefore, it has been classified as a Variant of Uncertain Significance.